The following is an entry in ClinVar:

ClinVar aggregate classification (germline): Uncertain significance (1 of 4 stars; one submission).

Conditions:
Charcot-Marie-Tooth disease type 4. Also called: Charcot-Marie-Tooth, Type 4; Charcot-Marie-Tooth disease, type IV. Identifiers: Orphanet 64749, MedGen C4082197, MONDO:0018995.

Submission:

Labcorp Genetics (formerly Invitae), Labcorp
Classification: Uncertain significance for Charcot-Marie-Tooth disease type 4. Last evaluated: 2022-12-06. Review status: criteria provided, single submitter. Criteria: Invitae Variant Classification Sherloc (09022015). Collection method: clinical testing. Allele origin: germline.
Comment: This sequence change replaces glutamic acid, which is acidic and polar, with lysine, which is basic and polar, at codon 118 of the MTMR2 protein (p.Glu118Lys). This variant is not present in population databases (gnomAD no frequency). This variant has not been reported in the literature in individuals affected with MTMR2-related conditions. ClinVar contains an entry for this variant (Variation ID: 844588). Advanced modeling of protein sequence and biophysical properties (such as structural, functional, and spatial information, amino acid conservation, physicochemical variation, residue mobility, and thermodynamic stability) performed at Invitae indicates that this missense variant is not expected to disrupt MTMR2 protein function. In summary, the available evidence is currently insufficient to determine the role of this variant in disease. Therefore, it has been classified as a Variant of Uncertain Significance.

NM_016156.6(MTMR2):c.352G>A (p.Glu118Lys)

Gene: MTMR2 (myotubularin related protein 2; minus strand). Cytogenetic location: 11q21.
Variant type: single nucleotide variant.
Coding change: c.352G>A on transcript NM_016156.6 (MANE Select); coding-DNA position 352, G replaced by A.
Protein change: p.Glu118Lys; replaces glutamic acid 118 with lysine.
Molecular consequence: missense variant.
Genome position (GRCh38, 1-based): chr11:95,862,277, C>T on the plus strand (G>A on the coding strand, the complement: MTMR2 is on the minus strand). VCF-style: chr11-95862277-C-T. GRCh37 (hg19) VCF-style: chr11-95595441-C-T.
Other names: c.136G>A, p.Glu46Lys (NM_001243571.2, NM_201278.3, NM_201281.3); short protein forms E46K, E118K.
Identifiers: ClinVar variation 844588 (VCV000844588.9), dbSNP rs1864451374, ClinGen allele CA382429934.
Genomic context (GRCh38, chr11:95,862,277, plus strand): 5'-AACTAGCTACAAACAACACACTCATGTACATACAAAAATCTAATCTGACTCTTACCCGTT[C>T]CATGCTTTTGAAATATAACCTATAATTCGTGACAGTCAGAGTTCCTCGTACAGCGCCAGT-3'
Protein context (NP_057240.3, residues 108-128): TNYRLYFKSM[Glu118Lys]RDPPFVLDAS